The following is an entry in ClinVar:

NM_015202.5(KATNIP):c.4020G>A (p.Pro1340=)

Genes: KATNIP (katanin interacting protein; plus strand), LOC126862323 (P300/CBP strongly-dependent group 1 enhancer GRCh37_chr16:27780758-27781957; plus strand). Cytogenetic location: 16p12.1.
Variant type: single nucleotide variant.
Coding change: c.4020G>A on transcript NM_015202.5 (MANE Select); coding-DNA position 4020, G replaced by A.
Protein change: p.Pro1340=; no amino-acid change (proline 1340 retained).
Molecular consequence: synonymous variant.
Genome position (GRCh38, 1-based): chr16:27,769,905, G>A. VCF-style: chr16-27769905-G-A. GRCh37 (hg19) VCF-style: chr16-27781226-G-A.
Identifiers: ClinVar variation 1948069 (VCV001948069.6), dbSNP rs372165349, ClinGen allele CA7978475.

ClinVar aggregate classification (germline): Likely benign. Review status: criteria provided, multiple submitters, no conflicts (2 of 4 stars). 2 submissions from 2 submitters: Likely benign (2). Last evaluated 2026-08-01.

Allele frequency attached by ClinVar (database versions not stated): gnomAD 0.00001; gnomAD exomes 0.00001; TOPMed 0.00001; ExAC 0.00002; ESP Exome Variant Server 0.00008.
gnomAD v4.1: 21 of 1,614,078 alleles (0.0013%); highest among the groups gnomAD compares: South Asian, 0.0055%; no homozygotes.

Submissions (2):

CeGaT Center for Human Genetics Tuebingen
Classification: Likely benign. Last evaluated: 2026-08-01. Review status: criteria provided, single submitter. Criteria: CeGaT Center For Human Genetics Tuebingen Variant Classification Criteria Version 2. Collection method: clinical testing. Allele origin: germline. Affected: yes. Observed: 1 variant allele.
Comment: KATNIP: BP4, BP7

Labcorp Genetics (formerly Invitae), Labcorp
Classification: Likely benign. Last evaluated: 2024-12-03. Review status: criteria provided, single submitter. Criteria: Invitae Variant Classification Sherloc (09022015). Collection method: clinical testing. Allele origin: germline.